The following is an entry in ClinVar:

ClinVar aggregate classification (germline): Likely benign. Review status: criteria provided, single submitter (1 of 4 stars). 2 submissions from 2 submitters: Likely benign (1). 1 of the submissions does not count toward it. Last evaluated 2024-03-02.

Conditions:
Progressive sclerosing poliodystrophy (MTDPS4A). Also called: NEURONAL DEGENERATION OF CHILDHOOD WITH LIVER DISEASE, PROGRESSIVE; Mitochondrial DNA depletion syndrome 4A (Alpers type); Alpers-Huttenlocher Syndrome (AHS); ALPERS PROGRESSIVE INFANTILE POLIODYSTROPHY; Alpers Syndrome; ALPERS DIFFUSE DEGENERATION OF CEREBRAL GRAY MATTER WITH HEPATIC CIRRHOSIS. Identifiers: Orphanet 726, MedGen C0205710, MONDO:0008758, OMIM 203700.
POLG-related disorder. Also called: POLG-related condition; POLG-Related Disorders; POLG-Related Spectrum Disorders. Identifiers: MedGen C4763519.

Allele frequency attached by ClinVar (database versions not stated): gnomAD 0.00001.
gnomAD v4.1: 4 of 1,613,966 alleles (0.00025%); highest among the groups gnomAD compares: African/African-American, 0.0013%; no homozygotes.

Submissions (2):

Labcorp Genetics (formerly Invitae), Labcorp
Classification: Likely benign for Progressive sclerosing poliodystrophy. Last evaluated: 2024-03-02. Review status: criteria provided, single submitter. Criteria: Invitae Variant Classification Sherloc (09022015). Collection method: clinical testing. Allele origin: germline.

PreventionGenetics, part of Exact Sciences
Classification: Likely benign for POLG-related condition. Last evaluated: 2024-08-25. Review status: no assertion criteria provided. Collection method: clinical testing. Allele origin: germline. Not counted in ClinVar's aggregate classification.
Comment: This variant is classified as likely benign based on ACMG/AMP sequence variant interpretation guidelines (Richards et al. 2015 PMID: 25741868, with internal and published modifications).

NM_002693.3(POLG):c.3105-6C>T

Gene: POLG (DNA polymerase gamma, catalytic subunit; minus strand). Cytogenetic location: 15q26.1.
Variant type: single nucleotide variant.
Coding change: c.3105-6C>T on transcript NM_002693.3 (MANE Select); 6 bases into the intron before coding-DNA position 3105, C replaced by T.
Molecular consequence: intron variant.
Genome position (GRCh38, 1-based): chr15:89,319,105, G>A on the plus strand (C>T on the coding strand, the complement: POLG is on the minus strand). VCF-style: chr15-89319105-G-A. GRCh37 (hg19) VCF-style: chr15-89862336-G-A.
Other names: c.3105-6C>T (NM_001126131.2, NM_002693.2).
Identifiers: ClinVar variation 1091726 (VCV001091726.9), dbSNP rs2055355030, ClinGen allele CA972593444.